The following is an entry in ClinVar:

NM_000419.5(ITGA2B):c.2468G>A (p.Gly823Glu)

Gene: ITGA2B (integrin subunit alpha 2b; minus strand). Cytogenetic location: 17q21.31.
Variant type: single nucleotide variant.
Coding change: c.2468G>A on transcript NM_000419.5 (MANE Select); coding-DNA position 2468, G replaced by A.
Protein change: p.Gly823Glu; replaces glycine 823 with glutamic acid.
Molecular consequence: missense variant.
Genome position (GRCh38, 1-based): chr17:44,375,966, C>T on the plus strand (G>A on the coding strand, the complement: ITGA2B is on the minus strand). VCF-style: chr17-44375966-C-T. GRCh37 (hg19) VCF-style: chr17-42453334-C-T.
Other names: short protein forms G823E.
Identifiers: ClinVar variation 996181 (VCV000996181.20), dbSNP rs1166506747, ClinGen allele CA399795351.
Genomic context (GRCh38, chr17:44,375,966, plus strand): 5'-AGGTCGGAGGGCTGGGACTGTCCCGGAAGGTGGATGCTGAGGTGAAGACCATTCACAGTC[C>T]CAGGGCCATTGTTGTGGAGCTGAAGGGGTGGTGGTGGCAGGGTGTGGGGAGCTTAGCGCC-3'
Protein context (NP_000410.2, residues 813-833): HTYELHNNGP[Gly823Glu]TVNGLHLSIH

ClinVar aggregate classification (germline): Likely pathogenic (3 of 4 stars; one submission).

Conditions:
Glanzmann thrombasthenia. Also called: Glanzmann's thrombasthenia; PLATELET GLYCOPROTEIN IIb-IIIa DEFICIENCY; BLEEDING DISORDER, PLATELET-TYPE, 2; THROMBASTHENIA OF GLANZMANN AND NAEGELI; Thrombasthenia. Identifiers: Orphanet 849, MedGen C0040015, MONDO:0100326.

Submission:

ClinGen Platelet Disorders Variant Curation Expert Panel, ClinGen
Classification: Likely pathogenic for Glanzmann thrombasthenia. Last evaluated: 2023-10-17. Review status: reviewed by expert panel. Criteria: ClinGen Platelet ACMG Specifications v2-1. Collection method: curation. Allele origin: germline. Inheritance: Autosomal recessive inheritance.
Comment: The ITGA2B missense variant NM_000419.4:c.2468G>A replaces the glycine residue with a glutamic acid residue (p.Gly823Glu). This variant has been observed in a proband (PMID 25728920) with a phenotype specific for Glanzmann's thrombasthenia (PP4_strong) who also harbors a second ITGA2B variant (c.1413C>G, p.Tyr471Ter) previously classified by the VCEP as pathogenic (phase unconfirmed; PM3_supporting) . Furthermore, this variant has not been observed in population databases (absent from gnomAD v2.1.1 and v3; PM2_supporting) and the in silico meta-predictor REVEL score for this variant is 0.746 (above the VCEP-established threshold of 0.7; PP3). In summary, this variant is classified as likely pathogenic for autosomal recessive Glanzmann thrombasthenia. GT-specific criteria applied: PM2_supporting, PM3_supporting, PP3, and PP4_strong.